The following is an entry in ClinVar:

NM_001042492.3(NF1):c.3314+2T>A

Gene: NF1 (neurofibromin 1; plus strand). Cytogenetic location: 17q11.2.
Variant type: single nucleotide variant.
Coding change: c.3314+2T>A on transcript NM_001042492.3 (MANE Select); the canonical splice donor site of the intron after coding-DNA position 3314, T replaced by A.
Molecular consequence: splice donor variant.
Genome position (GRCh38, 1-based): chr17:31,232,191, T>A. VCF-style: chr17-31232191-T-A. GRCh37 (hg19) VCF-style: chr17-29559209-T-A.
Other names: c.3314+2T>A (NM_000267.4).
Identifiers: ClinVar variation 215988 (VCV000215988.5), dbSNP rs863224445, ClinGen allele CA336004.

ClinVar aggregate classification (germline): Pathogenic (1 of 4 stars; one submission).

Conditions:
Neurofibromatosis, type 1 (NF1). Also called: VON RECKLINGHAUSEN DISEASE; Peripheral type neurofibromatosis; Neurofibromatosis, type I; NEUROFIBROMATOSIS, TYPE I, SOMATIC. Identifiers: Orphanet 636, MedGen C0027831, MONDO:0018975, OMIM 162200. Disease mechanism: loss of function.

Submission:

Labcorp Genetics (formerly Invitae), Labcorp
Classification: Pathogenic for Neurofibromatosis, type 1. Last evaluated: 2022-10-28. Review status: criteria provided, single submitter. Criteria: Invitae Variant Classification Sherloc (09022015). Collection method: clinical testing. Allele origin: germline.
Comment: For these reasons, this variant has been classified as Pathogenic. Algorithms developed to predict the effect of sequence changes on RNA splicing suggest that this variant may disrupt the consensus splice site. ClinVar contains an entry for this variant (Variation ID: 215988). Disruption of this splice site has been observed in individual(s) with neurofibromatosis type 1 (PMID: 31443423). This variant is not present in population databases (gnomAD no frequency). This sequence change affects a donor splice site in intron 25 of the NF1 gene. It is expected to disrupt RNA splicing. Variants that disrupt the donor or acceptor splice site typically lead to a loss of protein function (PMID: 16199547), and loss-of-function variants in NF1 are known to be pathogenic (PMID: 10712197, 23913538).

Literature cited by the submitters: PubMed 31443423; PubMed 16199547; PubMed 10712197; PubMed 23913538.